The following is an entry in ClinVar:

NM_005560.6(LAMA5):c.8399G>A (p.Arg2800His)

Gene: LAMA5 (laminin subunit alpha 5; minus strand). Cytogenetic location: 20q13.33.
Variant type: single nucleotide variant.
Coding change: c.8399G>A on transcript NM_005560.6 (MANE Select); coding-DNA position 8399, G replaced by A.
Protein change: p.Arg2800His; replaces arginine 2800 with histidine.
Molecular consequence: missense variant.
Genome position (GRCh38, 1-based): chr20:62,314,409, C>T on the plus strand (G>A on the coding strand, the complement: LAMA5 is on the minus strand). VCF-style: chr20-62314409-C-T. GRCh37 (hg19) VCF-style: chr20-60889465-C-T.
Other names: c.8399G>A (NM_005560.4); short protein forms R2800H.
Identifiers: ClinVar variation 2072875 (VCV002072875.3), dbSNP rs142801594, ClinGen allele CA9940722.
Genomic context (GRCh38, chr20:62,314,409, plus strand): 5'-ATGCTTAGGACTGCAGGGCCCGCCTCACCCAGCTGATACACCCAGTGCACCTTCTTGTCA[C>T]GCAGAGACACACCCATGTAGTCCCCAGTGGCCTGCGGCAGTGACAGACACACAGTCGGGA-3'
Protein context (NP_005551.3, residues 2790-2810): ATGDYMGVSL[Arg2800His]DKKVHWVYQL

ClinVar aggregate classification (germline): Uncertain significance. Review status: criteria provided, multiple submitters, no conflicts (2 of 4 stars). 2 submissions from 2 submitters: Uncertain significance (2). Last evaluated 2026-02-17.

Conditions:
LAMA5-related disorder. Also called: LAMA5-related condition; LAMA5-Related Disorders.

Allele frequency attached by ClinVar (database versions not stated): ExAC 0.00016; 1000 Genomes Project 0.00020; gnomAD 0.00033; 1000 Genomes Project 30x 0.00047; TOPMed 0.00054; ESP Exome Variant Server 0.00062.
gnomAD v4.1: 177 of 1,613,488 alleles (0.011%); highest among the groups gnomAD compares: African/African-American, 0.12%; no homozygotes.

Submissions (2):

PreventionGenetics, part of Exact Sciences
Classification: Uncertain significance for LAMA5-related condition. Last evaluated: 2026-02-17. Review status: criteria provided, single submitter. Criteria: ACMG Guidelines, 2015. Collection method: clinical testing. Allele origin: germline.
Comment: The LAMA5 c.8399G>A variant is predicted to result in the amino acid substitution p.Arg2800His. This variant was reported in the compound heterozygous state with another missense variant in an individual with nephrotic syndrome (likely the same individual 428 from the same study group: Taniguchi et al. 2021. PubMed ID: 35419533 and Table S3 of Nagano et al. 2022. PubMed ID: 36176665). This variant is reported in 0.15% of alleles in individuals of African descent in gnomAD. At this time, the clinical significance of this variant is uncertain due to the absence of conclusive functional and genetic evidence.

Labcorp Genetics (formerly Invitae), Labcorp
Classification: Uncertain significance. Last evaluated: 2023-12-15. Review status: criteria provided, single submitter. Criteria: Invitae Variant Classification Sherloc (09022015). Collection method: clinical testing. Allele origin: germline.
Comment: This sequence change replaces arginine, which is basic and polar, with histidine, which is basic and polar, at codon 2800 of the LAMA5 protein (p.Arg2800His). This variant is present in population databases (rs142801594, gnomAD 0.1%). This missense change has been observed in individuals with clinical features of LAMA5-related conditions (PMID: 18594871, 35419533; Invitae). ClinVar contains an entry for this variant (Variation ID: 2072875). Advanced modeling of protein sequence and biophysical properties (such as structural, functional, and spatial information, amino acid conservation, physicochemical variation, residue mobility, and thermodynamic stability) performed at Invitae indicates that this missense variant is expected to disrupt LAMA5 protein function with a positive predictive value of 80%. In summary, the available evidence is currently insufficient to determine the role of this variant in disease. Therefore, it has been classified as a Variant of Uncertain Significance.

Literature cited by the submitters: PubMed 18594871 (cited by Labcorp Genetics (formerly Invitae), Labcorp); PubMed 35419533 (cited by Labcorp Genetics (formerly Invitae), Labcorp).